The following is an entry in ClinVar:

NM_000434.4(NEU1):c.263G>C (p.Gly88Ala)

Gene: NEU1 (neuraminidase 1; minus strand). Cytogenetic location: 6p21.33.
Variant type: single nucleotide variant.
Coding change: c.263G>C on transcript NM_000434.4 (MANE Select); coding-DNA position 263, G replaced by C.
Protein change: p.Gly88Ala; replaces glycine 88 with alanine.
Molecular consequence: missense variant.
Genome position (GRCh38, 1-based): chr6:31,862,088, C>G on the plus strand (G>C on the coding strand, the complement: NEU1 is on the minus strand). VCF-style: chr6-31862088-C-G. GRCh37 (hg19) VCF-style: chr6-31829865-C-G.
Other names: short protein forms G88A.
Identifiers: ClinVar variation 289175 (VCV000289175.22), dbSNP rs34712643, ClinGen allele CA3725068.

ClinVar aggregate classification (germline): Benign. Review status: criteria provided, multiple submitters, no conflicts (2 of 4 stars). 5 submissions from 5 submitters: Benign (4). 1 of the submissions does not count toward it. Last evaluated 2026-01-31.

Conditions:
Sialidosis type 2. Also called: GLYCOPROTEIN NEURAMINIDASE DEFICIENCY; ML I; NEU DEFICIENCY; NEUG DEFICIENCY; NEURAMINIDASE 1 DEFICIENCY; SIALIDASE DEFICIENCY. Identifiers: Orphanet 812, Orphanet 87876, MedGen C4282398, MONDO:0009738, OMIM 256550.

Allele frequency attached by ClinVar (database versions not stated): gnomAD exomes 0.00581; ExAC 0.00650; gnomAD 0.02415; 1000 Genomes Project 0.02416; 1000 Genomes Project 30x 0.02530; TOPMed 0.02542; ESP Exome Variant Server 0.02607.
gnomAD v4.1: 6,907 of 1,613,086 alleles (0.43%); highest among the groups gnomAD compares: African/African-American, 7.7%; 235 homozygotes.

Submissions (5):

Labcorp Genetics (formerly Invitae), Labcorp
Classification: Benign. Last evaluated: 2026-01-31. Review status: criteria provided, single submitter. Criteria: Invitae Variant Classification Sherloc (09022015). Collection method: clinical testing. Allele origin: germline.

GeneDx
Classification: Benign. Last evaluated: 2020-09-11. Review status: criteria provided, single submitter. Criteria: GeneDx Variant Classification Process June 2021. Collection method: clinical testing. Allele origin: germline. Affected: yes.
Comment: This variant is associated with the following publications: (PMID: 25153125)

Illumina Laboratory Services, Illumina
Classification: Benign for Sialidosis type 2. Last evaluated: 2018-01-12. Review status: criteria provided, single submitter. Criteria: ICSL Variant Classification Criteria 13 December 2019. Collection method: clinical testing. Allele origin: germline.
Comment: This variant was observed in the ICSL laboratory as part of a predisposition screen in an ostensibly healthy population. It had not been previously curated by ICSL or reported in the Human Gene Mutation Database (HGMD: prior to June 1st, 2018), and was therefore a candidate for classification through an automated scoring system. Utilizing variant allele frequency, disease prevalence and penetrance estimates, and inheritance mode, an automated score was calculated to assess if this variant is too frequent to cause the disease. Based on the score and internal cut-off values, a variant classified as benign is not then subjected to further curation. The score for this variant resulted in a classification of benign for this disease.

Eurofins Ntd Llc (ga)
Classification: Benign. Last evaluated: 2016-07-12. Review status: criteria provided, single submitter. Criteria: EGL Classification Definitions 2015. Collection method: clinical testing. Allele origin: germline. Observed: 1 variant allele, 1 heterozygote.

Mayo Clinic Laboratories, Mayo Clinic
Classification: Benign. Last evaluated: 2018-02-08. Review status: no assertion criteria provided. Collection method: clinical testing. Allele origin: unknown. Not counted in ClinVar's aggregate classification.